The following is an entry in ClinVar:

NM_005228.5(EGFR):c.731G>A (p.Arg244Gln)

Gene: EGFR (epidermal growth factor receptor; plus strand). Cytogenetic location: 7p11.2.
Variant type: single nucleotide variant.
Coding change: c.731G>A on transcript NM_005228.5 (MANE Select); coding-DNA position 731, G replaced by A.
Protein change: p.Arg244Gln; replaces arginine 244 with glutamine.
Molecular consequence: missense variant. On other transcripts: intron variant (1).
Genome position (GRCh38, 1-based): chr7:55,152,648, G>A. VCF-style: chr7-55152648-G-A. GRCh37 (hg19) VCF-style: chr7-55220341-G-A.
Other names: c.596G>A, p.Arg199Gln (NM_001346897.2, NM_001346899.2); c.731G>A, p.Arg244Gln (NM_001346898.2, NM_201282.2, NM_201283.2 and 1 more transcripts); c.572G>A, p.Arg191Gln (NM_001346900.2); c.89-3182G>A (NM_001346941.2); short protein forms R244Q, R191Q, R199Q.
Identifiers: ClinVar variation 584687 (VCV000584687.11), dbSNP rs200664836, ClinGen allele CA4265325.

ClinVar aggregate classification (germline): Uncertain significance. Review status: criteria provided, multiple submitters, no conflicts (2 of 4 stars). 4 submissions from 4 submitters: Uncertain significance (4). Last evaluated 2026-02-01.

Conditions:
Hereditary cancer-predisposing syndrome. Also called: Neoplastic Syndromes, Hereditary; Hereditary Cancer Syndrome; Tumor predisposition; Hereditary neoplastic syndrome. Identifiers: Orphanet 140162, MedGen C0027672, MeSH D009386, MONDO:0015356.
EGFR-related lung cancer (EGFR). Identifiers: MedGen CN130014.
Hereditary cancer. Identifiers: MedGen C1333600.

Allele frequency attached by ClinVar (database versions not stated): gnomAD exomes 0.00001 and 0.00002; ExAC 0.00002; gnomAD 0.00003 and 0.00004; TOPMed 0.00003; 1000 Genomes Project 30x 0.00016; 1000 Genomes Project 0.00020.
gnomAD v4.1: 14 of 1,613,596 alleles (0.00087%); highest among the groups gnomAD compares: African/African-American, 0.004%; no homozygotes.

Submissions (4):

Labcorp Genetics (formerly Invitae), Labcorp
Classification: Uncertain significance for EGFR-related lung cancer. Last evaluated: 2026-02-01. Review status: criteria provided, single submitter. Criteria: Invitae Variant Classification Sherloc (09022015). Collection method: clinical testing. Allele origin: germline.
Comment: This sequence change replaces arginine, which is basic and polar, with glutamine, which is neutral and polar, at codon 244 of the EGFR protein (p.Arg244Gln). This variant is present in population databases (rs200664836, gnomAD 0.006%). This variant has not been reported in the literature in individuals affected with EGFR-related conditions. ClinVar contains an entry for this variant (Variation ID: 584687). Invitae Evidence Modeling of protein sequence and biophysical properties (such as structural, functional, and spatial information, amino acid conservation, physicochemical variation, residue mobility, and thermodynamic stability) indicates that this missense variant is not expected to disrupt EGFR protein function with a negative predictive value of 80%. In summary, the available evidence is currently insufficient to determine the role of this variant in disease. Therefore, it has been classified as a Variant of Uncertain Significance.

Ambry Genetics
Classification: Uncertain significance for Hereditary cancer-predisposing syndrome. Last evaluated: 2024-10-17. Review status: criteria provided, single submitter. Criteria: Ambry Variant Classification Scheme 2023. Collection method: clinical testing. Allele origin: germline.
Comment: The p.R244Q variant (also known as c.731G>A), located in coding exon 6 of the EGFR gene, results from a G to A substitution at nucleotide position 731. The arginine at codon 244 is replaced by glutamine, an amino acid with highly similar properties. This amino acid position is well conserved in available vertebrate species. In addition, the in silico prediction for this alteration is inconclusive. Based on the available evidence, the clinical significance of this variant remains unclear.

Sema4
Classification: Uncertain significance for Hereditary cancer-predisposing syndrome. Last evaluated: 2022-02-04. Review status: criteria provided, single submitter. Criteria: Sema4 Curation Guidelines. Collection method: curation. Allele origin: germline.
Comment: The EGFR c.731G>A (p.R244Q) variant has not been reported in the literature to our knowledge. It was observed in 2/30606 chromosomes of the South Asian subpopulation in the large and broad cohorts of the Genome Aggregation Database (PMID: 32461654). The variant has been reported in ClinVar (Variation ID 584687). Functional studies have not been performed, and in silico predictions of the variant's effect on protein function are inconclusive. The evidence is insufficient to meet ACMG/AMP criteria for classifying the variant as benign or pathogenic. Thus, the clinical significance of this variant is currently uncertain.

Mendelics
Classification: Uncertain significance for Hereditary cancer. Last evaluated: 2018-07-02. Review status: criteria provided, single submitter. Criteria: Mendelics Assertion Criteria 2017. Collection method: clinical testing. Allele origin: unknown.